The following is an entry in ClinVar:

NM_024741.3(ZNF408):c.958G>C (p.Ala320Pro)

Gene: ZNF408 (zinc finger protein 408; plus strand). Cytogenetic location: 11p11.2.
Variant type: single nucleotide variant.
Coding change: c.958G>C on transcript NM_024741.3 (MANE Select); coding-DNA position 958, G replaced by C.
Protein change: p.Ala320Pro; replaces alanine 320 with proline.
Molecular consequence: missense variant.
Genome position (GRCh38, 1-based): chr11:46,704,658, G>C. VCF-style: chr11-46704658-G-C. GRCh37 (hg19) VCF-style: chr11-46726208-G-C.
Other names: c.958G>C (NM_024741.2); c.934G>C, p.Ala312Pro (NM_001184751.2); short protein forms A320P, A312P.
Identifiers: ClinVar variation 2087426 (VCV002087426.6), dbSNP rs2064736929, ClinGen allele CA380254545.

ClinVar aggregate classification (germline): Uncertain significance. Review status: criteria provided, multiple submitters, no conflicts (2 of 4 stars). 2 submissions from 2 submitters: Uncertain significance (2). Last evaluated 2023-04-10.

Conditions:
Inborn genetic diseases. Identifiers: MedGen C0950123, MeSH D030342.

Allele frequency attached by ClinVar (database versions not stated): gnomAD 0.00001; TOPMed 0.00001.
gnomAD v4.1: 12 of 1,613,698 alleles (0.00074%); highest among the groups gnomAD compares: Non-Finnish European, 0.001%; no homozygotes.

Submissions (2):

Ambry Genetics
Classification: Uncertain significance for Inborn genetic diseases. Last evaluated: 2023-04-10. Review status: criteria provided, single submitter. Criteria: Ambry Variant Classification Scheme 2023. Collection method: clinical testing. Allele origin: germline.

Labcorp Genetics (formerly Invitae), Labcorp
Classification: Uncertain significance. Last evaluated: 2022-11-01. Review status: criteria provided, single submitter. Criteria: Invitae Variant Classification Sherloc (09022015). Collection method: clinical testing. Allele origin: germline.
Comment: In summary, the available evidence is currently insufficient to determine the role of this variant in disease. Therefore, it has been classified as a Variant of Uncertain Significance. Algorithms developed to predict the effect of missense changes on protein structure and function are either unavailable or do not agree on the potential impact of this missense change (SIFT: "Deleterious"; PolyPhen-2: "Benign"; Align-GVGD: "Class C0"). This variant has not been reported in the literature in individuals affected with ZNF408-related conditions. This variant is not present in population databases (gnomAD no frequency). This sequence change replaces alanine, which is neutral and non-polar, with proline, which is neutral and non-polar, at codon 320 of the ZNF408 protein (p.Ala320Pro).